The following is an entry in ClinVar:

NM_000048.4(ASL):c.291+3A>G

Gene: ASL (argininosuccinate lyase; plus strand). Cytogenetic location: 7q11.21.
Variant type: single nucleotide variant.
Coding change: c.291+3A>G on transcript NM_000048.4 (MANE Select); 3 bases into the intron after coding-DNA position 291, A replaced by G.
Molecular consequence: intron variant.
Genome position (GRCh38, 1-based): chr7:66,082,454, A>G. VCF-style: chr7-66082454-A-G. GRCh37 (hg19) VCF-style: chr7-65547441-A-G.
Other names: c.291+3A>G (NM_001024943.2, NM_001024944.2, NM_001024946.2).
Identifiers: ClinVar variation 1991544 (VCV001991544.3), dbSNP rs1439477217, ClinGen allele CA574858127.

ClinVar aggregate classification (germline): Uncertain significance (1 of 4 stars; one submission).

Conditions:
Argininosuccinate lyase deficiency. Also called: Argininosuccinic aciduria; ARGININOSUCCINIC ACID LYASE DEFICIENCY; ASL DEFICIENCY. Identifiers: Orphanet 23, MedGen C0268547, MONDO:0008815, OMIM 207900, HP:0025630.

Allele frequency attached by ClinVar (database versions not stated): gnomAD exomes below 0.00001.
gnomAD v4.1: 2 of 1,608,362 alleles (0.00012%); highest among the groups gnomAD compares: Non-Finnish European, 0.00017%; no homozygotes.

Submission:

Labcorp Genetics (formerly Invitae), Labcorp
Classification: Uncertain significance for Argininosuccinate lyase deficiency. Last evaluated: 2024-02-26. Review status: criteria provided, single submitter. Criteria: Invitae Variant Classification Sherloc (09022015). Collection method: clinical testing. Allele origin: germline.
Comment: This sequence change falls in intron 4 of the ASL gene. It does not directly change the encoded amino acid sequence of the ASL protein. It affects a nucleotide within the consensus splice site. The frequency data for this variant in the population databases is considered unreliable, as metrics indicate poor data quality at this position in the gnomAD database. This variant has not been reported in the literature in individuals affected with ASL-related conditions. ClinVar contains an entry for this variant (Variation ID: 1991544). Variants that disrupt the consensus splice site are a relatively common cause of aberrant splicing (PMID: 17576681, 9536098). Algorithms developed to predict the effect of sequence changes on RNA splicing suggest that this variant is not likely to affect RNA splicing. In summary, the available evidence is currently insufficient to determine the role of this variant in disease. Therefore, it has been classified as a Variant of Uncertain Significance.

Literature cited by the submitters: PubMed 17576681; PubMed 9536098.